The following is an entry in ClinVar:

NM_000478.6(ALPL):c.1362_1399del (p.Gly456fs)

Gene: ALPL (alkaline phosphatase, biomineralization associated; plus strand). Cytogenetic location: 1p36.12.
Variant type: Deletion.
Coding change: c.1362_1399del on transcript NM_000478.6 (MANE Select); coding-DNA positions 1362 to 1399, 38 bases deleted.
Protein change: p.Gly456fs; shifts the reading frame from glycine 456.
Molecular consequence: frameshift variant.
Genome position (GRCh38, 1-based): chr1:21,577,435-21,577,472, 38 bases deleted; deleting any 38 consecutive bases within chr1:21,577,431-21,577,472 gives the same sequence; the c. name uses the placement nearest the transcript's 3' end. GRCh37 (hg19): chr1:21,903,928-21,903,965.
Other names: c.1197_1234del, p.Gly401fs (NM_001127501.4); c.1131_1168del, p.Gly379fs (NM_001177520.3); c.1362_1399del, p.Gly456fs (NM_001369803.2, NM_001369804.2, NM_001369805.2); short protein forms G379fs, G456fs, G401fs.
Identifiers: ClinVar variation 1990915 (VCV001990915.4), dbSNP rs2545350576, ClinGen allele CA2580061485.

ClinVar aggregate classification (germline): Pathogenic (1 of 4 stars; one submission).

Submission:

Labcorp Genetics (formerly Invitae), Labcorp
Classification: Pathogenic. Last evaluated: 2021-12-17. Review status: criteria provided, single submitter. Criteria: Invitae Variant Classification Sherloc (09022015). Collection method: clinical testing. Allele origin: germline.
Comment: This sequence change results in a frameshift in the ALPL gene (p.Gly456Alafs*?). While this is not anticipated to result in nonsense mediated decay, it is expected to disrupt the last 69 amino acid(s) of the ALPL protein and extend the protein by an uncertain number of additional amino acid residues. This variant is not present in population databases (gnomAD no frequency). This variant has not been reported in the literature in individuals affected with ALPL-related conditions. This variant disrupts a region of the ALPL protein in which other variant(s) (p.Gly495Ser) have been determined to be pathogenic (PMID: 31707452; Invitae). This suggests that this is a clinically significant region of the protein, and that variants that disrupt it are likely to be disease-causing. For these reasons, this variant has been classified as Pathogenic.

Literature cited by the submitters: PubMed 31707452.